The following is an entry in ClinVar:

ClinVar aggregate classification (germline): Uncertain significance (1 of 4 stars; one submission).

Submission:

GeneDx
Classification: Uncertain significance. Last evaluated: 2024-10-08. Review status: criteria provided, single submitter. Criteria: GeneDx Variant Classification Process June 2021. Collection method: clinical testing. Allele origin: germline. Affected: yes.
Comment: Not observed at significant frequency in large population cohorts (gnomAD); In silico analysis indicates that this missense variant does not alter protein structure/function; Has not been previously published as pathogenic or benign to our knowledge; Variants in candidate genes are classified as variants of uncertain significance in accordance with ACMG guidelines (PMID: 25741868)

NM_001282874.2(SMARCA1):c.11A>G (p.Asp4Gly)

Gene: SMARCA1 (SNF2 related chromatin remodeling ATPase 1; minus strand). Cytogenetic location: Xq26.1.
Variant type: single nucleotide variant.
Coding change: c.11A>G on transcript NM_001282874.2 (MANE Select); coding-DNA position 11, A replaced by G.
Protein change: p.Asp4Gly; replaces aspartic acid 4 with glycine.
Molecular consequence: missense variant.
Genome position (GRCh38, 1-based): chrX:129,523,360, T>C on the plus strand (A>G on the coding strand, the complement: SMARCA1 is on the minus strand). VCF-style: chrX-129523360-T-C. GRCh37 (hg19) VCF-style: chrX-128657337-T-C.
Other names: c.11A>G, p.Asp4Gly (NM_001282875.2, NM_001378261.1, NM_001378262.1 and 3 more transcripts); short protein forms D4G.
Identifiers: ClinVar variation 3899552 (VCV003899552.1).